The following is an entry in ClinVar:

ClinVar aggregate classification (germline): Uncertain significance (1 of 4 stars; one submission).

Submission:

Labcorp Genetics (formerly Invitae), Labcorp
Classification: Uncertain significance. Last evaluated: 2022-12-31. Review status: criteria provided, single submitter. Criteria: Invitae Variant Classification Sherloc (09022015). Collection method: clinical testing. Allele origin: germline.
Comment: In summary, the available evidence is currently insufficient to determine the role of this variant in disease. Therefore, it has been classified as a Variant of Uncertain Significance. Algorithms developed to predict the effect of missense changes on protein structure and function output the following: SIFT: "Deleterious"; PolyPhen-2: "Benign"; Align-GVGD: "Class C65". The alanine amino acid residue is found in multiple mammalian species, which suggests that this missense change does not adversely affect protein function. This variant has not been reported in the literature in individuals affected with VCAN-related conditions. This variant is not present in population databases (gnomAD no frequency). This sequence change replaces aspartic acid, which is acidic and polar, with alanine, which is neutral and non-polar, at codon 2437 of the VCAN protein (p.Asp2437Ala).

NM_004385.5(VCAN):c.7310A>C (p.Asp2437Ala)

Genes: VCAN (versican; plus strand), VCAN-AS1 (VCAN antisense RNA 1; minus strand). Cytogenetic location: 5q14.3.
Variant type: single nucleotide variant.
Coding change: c.7310A>C on transcript NM_004385.5 (MANE Select); coding-DNA position 7310, A replaced by C.
Protein change: p.Asp2437Ala; replaces aspartic acid 2437 with alanine.
Molecular consequence: missense variant. On other transcripts: intron variant (2).
Genome position (GRCh38, 1-based): chr5:83,540,313, A>C. VCF-style: chr5-83540313-A-C. GRCh37 (hg19) VCF-style: chr5-82836132-A-C.
Other names: c.4349A>C, p.Asp1450Ala (NM_001164097.2); c.4004-5224A>C (NM_001164098.2); c.1043-5224A>C (NM_001126336.3); short protein forms D1450A, D2437A.
Identifiers: ClinVar variation 2825302 (VCV002825302.3), dbSNP rs369067474, ClinGen allele CA360314468.
Genomic context (GRCh38, chr5:83,540,313, plus strand): 5'-CAGCACCAAAACCATCTGACTTGTATTATGAACCTTCTGGAGAAGGATCTGGAGAAGTGG[A>C]TATTGTTGATTCATTTCACACTTCTGCAACTACTCAGGCAACCAGACAAGAAAGCAGCAC-3'
Protein context (NP_004376.2, residues 2427-2447): EPSGEGSGEV[Asp2437Ala]IVDSFHTSAT